The following is an entry in ClinVar:

ClinVar aggregate classification (germline): Uncertain significance (1 of 4 stars; one submission).

gnomAD v4.1: 28 of 1,316,934 alleles (0.0021%); highest among the groups gnomAD compares: Non-Finnish European, 0.0027%; no homozygotes.

Submission:

Labcorp Genetics (formerly Invitae), Labcorp
Classification: Uncertain significance. Last evaluated: 2025-12-16. Review status: criteria provided, single submitter. Criteria: Invitae Variant Classification Sherloc (09022015). Collection method: clinical testing. Allele origin: germline.
Comment: This sequence change replaces glycine, which is neutral and non-polar, with aspartic acid, which is acidic and polar, at codon 155 of the IRF2BP2 protein (p.Gly155Asp). The frequency data for this variant in the population databases is considered unreliable, as metrics indicate poor data quality at this position in the gnomAD database. This variant has not been reported in the literature in individuals affected with IRF2BP2-related conditions. An algorithm developed to predict the effect of missense changes on protein structure and function (PolyPhen-2) suggests that this variant is likely to be disruptive. In summary, the available evidence is currently insufficient to determine the role of this variant in disease. Therefore, it has been classified as a Variant of Uncertain Significance.

NM_182972.3(IRF2BP2):c.464G>A (p.Gly155Asp)

Genes: IRF2BP2 (interferon regulatory factor 2 binding protein 2; minus strand), LOC129932812 (ATAC-STARR-seq lymphoblastoid silent region 1977; plus strand). Cytogenetic location: 1q42.3.
Variant type: single nucleotide variant.
Coding change: c.464G>A on transcript NM_182972.3 (MANE Select); coding-DNA position 464, G replaced by A.
Protein change: p.Gly155Asp; replaces glycine 155 with aspartic acid.
Molecular consequence: missense variant.
Genome position (GRCh38, 1-based): chr1:234,609,031, C>T on the plus strand (G>A on the coding strand, the complement: IRF2BP2 is on the minus strand). VCF-style: chr1-234609031-C-T. GRCh37 (hg19) VCF-style: chr1-234744777-C-T.
Other names: c.464G>A, p.Gly155Asp (NM_001077397.1); short protein forms G155D.
Identifiers: ClinVar variation 4750495 (VCV004750495.1).